The following is an entry in ClinVar:

NM_004655.4(AXIN2):c.1712+2T>C

Gene: AXIN2 (axin 2; minus strand). Cytogenetic location: 17q24.1.
Variant type: single nucleotide variant.
Coding change: c.1712+2T>C on transcript NM_004655.4 (MANE Select); the canonical splice donor site of the intron after coding-DNA position 1712, T replaced by C.
Molecular consequence: splice donor variant.
Genome position (GRCh38, 1-based): chr17:65,537,322, A>G on the plus strand (T>C on the coding strand, the complement: AXIN2 is on the minus strand). VCF-style: chr17-65537322-A-G. GRCh37 (hg19) VCF-style: chr17-63533440-A-G.
Other names: c.1712+2T>C (NM_001363813.1).
Identifiers: ClinVar variation 2583443 (VCV002583443.2), dbSNP rs2509410958, ClinGen allele CA400676772.
Genomic context (GRCh38, chr17:65,537,322, plus strand): 5'-GCCCATGGACCTGGCTGGGAGACAAGCCCCACACGGGACACTGCGGTCCGCCCGGCACTT[A>G]CCCAAACTGCTCGCTGGGCATGGTTTCCGGAGCCTTGGAGTGGCTTTTGCATTTCGAGTA-3'

ClinVar aggregate classification (germline): Likely pathogenic (1 of 4 stars; one submission).

Conditions:
Oligodontia-cancer predisposition syndrome. Also called: TOOTH AGENESIS-COLORECTAL CANCER SYNDROME. Identifiers: Orphanet 300576, MedGen C1837750, MONDO:0012075, OMIM 608615. Disease mechanism: loss of function.

Submission:

Myriad Genetics, Inc.
Classification: Likely pathogenic for Oligodontia-cancer predisposition syndrome. Last evaluated: 2023-05-17. Review status: criteria provided, single submitter. Criteria: Myriad Autosomal Dominant, Autosomal Recessive and X-Linked Classification Criteria (2023). Collection method: clinical testing. Allele origin: unknown.
Comment: This variant is considered likely pathogenic. This variant occurs within a consensus splice junction and is predicted to result in abnormal mRNA splicing of either an out-of-frame exon or an in-frame exon necessary for protein stability and/or normal function.